The following is an entry in ClinVar:

NM_001267550.2(TTN):c.21784_21786del (p.Thr7262del)

Gene: TTN (titin; minus strand). Cytogenetic location: 2q31.2.
Variant type: Deletion.
Coding change: c.21784_21786del on transcript NM_001267550.2 (MANE Select); coding-DNA positions 21784 to 21786, 3 bases deleted (ACT; older notation c.21784_21786delACT).
Protein change: p.Thr7262del; deletes threonine 7262.
Molecular consequence: inframe deletion. On other transcripts: intron variant (3).
Genome position (GRCh38, 1-based): chr2:178,723,221-178,723,223, AGT deleted on the plus strand (ACT on the coding strand, the reverse complement: TTN is on the minus strand). VCF-style (leftmost placement, unchanged base first): chr2-178723220-AAGT-A. GRCh37 (hg19) VCF-style: chr2-179587947-AAGT-A.
Other names: p.Thr6945del; c.20833_20835del, p.Thr6945del (NM_001256850.1); c.18052_18054del, p.Thr6018del (NM_133378.4); c.13282+14859_13282+14861del (NM_003319.4); c.13858+14859_13858+14861del (NM_133437.4); c.13657+14859_13657+14861del (NM_133432.3); short protein forms T6018del, T6945del, T7262del.
Identifiers: ClinVar variation 2437854 (VCV002437854.4), dbSNP rs763986718, ClinGen allele CA2000952.

ClinVar aggregate classification (germline): Uncertain significance. Review status: criteria provided, multiple submitters, no conflicts (2 of 4 stars). 2 submissions from 2 submitters: Uncertain significance (2). Last evaluated 2025-02-26.

Allele frequency attached by ClinVar (database versions not stated): ExAC 0.00002; gnomAD exomes 0.00003; TOPMed 0.00005; gnomAD 0.00003.

Submissions (2):

Mayo Clinic Laboratories, Mayo Clinic
Classification: Uncertain significance. Last evaluated: 2025-02-26. Review status: criteria provided, single submitter. Criteria: ACMG Guidelines, 2015. Collection method: clinical testing. Allele origin: germline. Observed: 1 variant allele.
Comment: PM4

Revvity Omics, Revvity
Classification: Uncertain significance. Last evaluated: 2024-06-10. Review status: criteria provided, single submitter. Criteria: ACMG Guidelines, 2015. Collection method: clinical testing. Allele origin: germline.